The following is an entry in ClinVar:

NM_006642.5(SDCCAG8):c.1727C>T (p.Ala576Val)

Gene: SDCCAG8 (SHH signaling and ciliogenesis regulator SDCCAG8; plus strand). Cytogenetic location: 1q43.
Variant type: single nucleotide variant.
Coding change: c.1727C>T on transcript NM_006642.5 (MANE Select); coding-DNA position 1727, C replaced by T.
Protein change: p.Ala576Val; replaces alanine 576 with valine.
Molecular consequence: missense variant.
Genome position (GRCh38, 1-based): chr1:243,415,812, C>T. VCF-style: chr1-243415812-C-T. GRCh37 (hg19) VCF-style: chr1-243579114-C-T.
Other names: c.824C>T, p.Ala275Val (NM_001350246.2, NM_001350247.2, NM_001350251.2); c.1823C>T, p.Ala608Val (NM_001350248.2); c.1433C>T, p.Ala478Val (NM_001350249.2); short protein forms A275V, A478V, A608V, A576V.
Identifiers: ClinVar variation 971276 (VCV000971276.8), dbSNP rs766677544, ClinGen allele CA41008622.

ClinVar aggregate classification (germline): Uncertain significance. Review status: criteria provided, multiple submitters, no conflicts (2 of 4 stars). 2 submissions from 2 submitters: Uncertain significance (2). Last evaluated 2022-10-05.

Conditions:
Bardet-Biedl syndrome 16 (BBS16). Identifiers: Orphanet 110, MedGen C3889474, MONDO:0014444, OMIM 615993.
Senior-Loken syndrome 7 (SLSN7). Identifiers: Orphanet 3156, MedGen C3150877, MONDO:0013326, OMIM 613615.

Allele frequency attached by ClinVar (database versions not stated): gnomAD exomes 0.00001.
gnomAD v4.1: 7 of 1,613,466 alleles (0.00043%); highest among the groups gnomAD compares: Non-Finnish European, 0.00059%; no homozygotes.

Submissions (2):

Labcorp Genetics (formerly Invitae), Labcorp
Classification: Uncertain significance for Bardet-Biedl syndrome 16; Senior-Loken syndrome 7. Last evaluated: 2022-10-05. Review status: criteria provided, single submitter. Criteria: Invitae Variant Classification Sherloc (09022015). Collection method: clinical testing. Allele origin: germline.
Comment: This sequence change replaces alanine, which is neutral and non-polar, with valine, which is neutral and non-polar, at codon 576 of the SDCCAG8 protein (p.Ala576Val). This variant is not present in population databases (gnomAD no frequency). This variant has not been reported in the literature in individuals affected with SDCCAG8-related conditions. ClinVar contains an entry for this variant (Variation ID: 971276). Advanced modeling of protein sequence and biophysical properties (such as structural, functional, and spatial information, amino acid conservation, physicochemical variation, residue mobility, and thermodynamic stability) has been performed at Invitae for this missense variant, however the output from this modeling did not meet the statistical confidence thresholds required to predict the impact of this variant on SDCCAG8 protein function. In summary, the available evidence is currently insufficient to determine the role of this variant in disease. Therefore, it has been classified as a Variant of Uncertain Significance.

Fulgent Genetics
Classification: Uncertain significance for Senior-Loken syndrome 7; Bardet-Biedl syndrome 16. Last evaluated: 2022-03-21. Review status: criteria provided, single submitter. Criteria: ACMG Guidelines, 2015. Collection method: clinical testing. Allele origin: unknown.